The following is an entry in ClinVar:

ClinVar aggregate classification (germline): Likely pathogenic (1 of 4 stars; one submission).

Submission:

Labcorp Genetics (formerly Invitae), Labcorp
Classification: Likely pathogenic. Last evaluated: 2025-06-25. Review status: criteria provided, single submitter. Criteria: Invitae Variant Classification Sherloc (09022015). Collection method: clinical testing. Allele origin: germline.
Comment: This sequence change affects a donor splice site in intron 27 of the ROBO1 gene. It is expected to disrupt RNA splicing. Variants that disrupt the donor or acceptor splice site typically lead to a loss of protein function (PMID: 16199547), and loss-of-function variants in ROBO1 are known to be pathogenic (PMID: 29194579, 35227688). This variant is not present in population databases (gnomAD no frequency). This variant has not been reported in the literature in individuals affected with ROBO1-related conditions. Algorithms developed to predict the effect of sequence changes on RNA splicing suggest that this variant may disrupt the consensus splice site. In summary, the currently available evidence indicates that the variant is pathogenic, but additional data are needed to prove that conclusively. Therefore, this variant has been classified as Likely Pathogenic.

Literature cited by the submitters: PubMed 16199547; PubMed 29194579; PubMed 35227688.

NM_002941.4(ROBO1):c.4282+1G>C

Gene: ROBO1 (roundabout guidance receptor 1; minus strand). Cytogenetic location: 3p12.3.
Variant type: single nucleotide variant.
Coding change: c.4282+1G>C on transcript NM_002941.4 (MANE Select); the canonical splice donor site of the intron after coding-DNA position 4282, G replaced by C.
Molecular consequence: splice donor variant.
Genome position (GRCh38, 1-based): chr3:78,617,634, C>G on the plus strand (G>C on the coding strand, the complement: ROBO1 is on the minus strand). VCF-style: chr3-78617634-C-G. GRCh37 (hg19) VCF-style: chr3-78666784-C-G.
Other names: c.3982+1G>C (NM_001145845.2); c.4147+1G>C (NM_133631.4).
Identifiers: ClinVar variation 4722151 (VCV004722151.1).